The following is an entry in ClinVar:

ClinVar aggregate classification (germline): Benign (1 of 4 stars; one submission).

Conditions:
Familial adenomatous polyposis 1 (FAP1). Also called: POLYPOSIS, ADENOMATOUS INTESTINAL; FAMILIAL ADENOMATOUS POLYPOSIS 1, ATTENUATED. Identifiers: MedGen C2713442, MONDO:0021056, OMIM 175100. Disease mechanism: loss of function.

Submission:

Myriad Genetics, Inc.
Classification: Benign for Familial adenomatous polyposis 1. Last evaluated: 2024-02-22. Review status: criteria provided, single submitter. Criteria: Myriad Autosomal Dominant, Autosomal Recessive and X-Linked Classification Criteria (2023). Collection method: clinical testing. Allele origin: unknown.
Comment: This variant is considered benign. This variant is a silent/synonymous amino acid change and it is not expected to impact splicing.

NM_000038.6(APC):c.117T>G (p.Thr39=)

Gene: APC (APC regulator of Wnt signaling pathway; plus strand). Cytogenetic location: 5q22.2.
Variant type: single nucleotide variant.
Coding change: c.117T>G on transcript NM_000038.6 (MANE Select); coding-DNA position 117, T replaced by G.
Protein change: p.Thr39=; no amino-acid change (threonine 39 retained).
Molecular consequence: synonymous variant. On other transcripts: 5 prime UTR variant (4), non-coding transcript variant (2), intron variant (11).
Genome position (GRCh38, 1-based): chr5:112,755,007, T>G. VCF-style: chr5-112755007-T-G. GRCh37 (hg19) VCF-style: chr5-112090704-T-G.
Other names: c.117T>G, p.Thr39= (NM_001127510.3, NM_001354895.2, NM_001354896.2 and 16 more transcripts); c.-919T>G (NM_001354906.2, NM_001407470.1, NM_001407471.1 and 1 more transcripts); c.166-11319T>G (NM_001407446.1, NM_001354897.2, NM_001354902.2 and 1 more transcripts); c.-42-11319T>G (NM_001407453.1, NM_001354900.2, NM_001354901.2 and 1 more transcripts); c.61-11319T>G (NM_001407451.1, NM_001354898.2, NM_001354904.2).
Identifiers: ClinVar variation 3148179 (VCV003148179.1), dbSNP rs751827696, ClinGen allele CA445752635.
Genomic context (GRCh38, chr5:112,755,007, plus strand): 5'-GAACTCAAATCTTCGACAAGAGCTAGAAGATAATTCCAATCATCTTACAAAACTGGAAAC[T>G]GAGGCATCTAATATGAAGGTATCAAGACTGTGACTTTTAATTGTAGTTTATCCATTTTTA-3'
Protein context (NP_000029.2, residues 29-49): DNSNHLTKLE[Thr39=]EASNMKEVLK